The following is an entry in ClinVar:

ClinVar aggregate classification (germline): Uncertain significance (1 of 4 stars; one submission).

gnomAD v4.1: 1 of 1,613,616 alleles (0.000062%); highest among the groups gnomAD compares: South Asian, 0.0011%; no homozygotes.

Submission:

Labcorp Genetics (formerly Invitae), Labcorp
Classification: Uncertain significance. Last evaluated: 2025-02-17. Review status: criteria provided, single submitter. Criteria: Invitae Variant Classification Sherloc (09022015). Collection method: clinical testing. Allele origin: germline.
Comment: This sequence change replaces proline, which is neutral and non-polar, with leucine, which is neutral and non-polar, at codon 3942 of the PCLO protein (p.Pro3942Leu). This variant is not present in population databases (gnomAD no frequency). This variant has not been reported in the literature in individuals affected with PCLO-related conditions. Experimental studies and prediction algorithms are not available or were not evaluated, and the functional significance of this variant is currently unknown. In summary, the available evidence is currently insufficient to determine the role of this variant in disease. Therefore, it has been classified as a Variant of Uncertain Significance.

NM_033026.6(PCLO):c.11825C>T (p.Pro3942Leu)

Gene: PCLO (piccolo presynaptic cytomatrix protein; minus strand). Cytogenetic location: 7q21.11.
Variant type: single nucleotide variant.
Coding change: c.11825C>T on transcript NM_033026.6 (MANE Select); coding-DNA position 11825, C replaced by T.
Protein change: p.Pro3942Leu; replaces proline 3942 with leucine.
Molecular consequence: missense variant.
Genome position (GRCh38, 1-based): chr7:82,916,161, G>A on the plus strand (C>T on the coding strand, the complement: PCLO is on the minus strand). VCF-style: chr7-82916161-G-A. GRCh37 (hg19) VCF-style: chr7-82545477-G-A.
Other names: c.11825C>T, p.Pro3942Leu (NM_014510.3); short protein forms P3942L.
Identifiers: ClinVar variation 4768893 (VCV004768893.1).